The following is an entry in ClinVar:

NM_001366385.1(CARD14):c.473A>G (p.Glu158Gly)

Gene: CARD14 (caspase recruitment domain family member 14; plus strand). Cytogenetic location: 17q25.3.
Variant type: single nucleotide variant.
Coding change: c.473A>G on transcript NM_001366385.1 (MANE Select); coding-DNA position 473, A replaced by G.
Protein change: p.Glu158Gly; replaces glutamic acid 158 with glycine.
Molecular consequence: missense variant. On other transcripts: non-coding transcript variant (1).
Genome position (GRCh38, 1-based): chr17:80,184,036, A>G. VCF-style: chr17-80184036-A-G. GRCh37 (hg19) VCF-style: chr17-78157835-A-G.
Other names: c.473A>G, p.Glu158Gly (NM_001257970.1, NM_024110.4); short protein forms E158G.
Identifiers: ClinVar variation 2948477 (VCV002948477.3), dbSNP rs2040258405, ClinGen allele CA401336464.

ClinVar aggregate classification (germline): Uncertain significance (1 of 4 stars; one submission).

Conditions:
Pityriasis rubra pilaris (PRP). Also called: Pityriasis rubra pilaris--familial type. Identifiers: Orphanet 2897, MedGen C0032027, MONDO:0100017, OMIM 173200, MONDO:0008251.
Psoriasis 2. Identifiers: MedGen C1864497, MONDO:0011269, OMIM 602723.

Allele frequency attached by ClinVar (database versions not stated): gnomAD exomes below 0.00001; TOPMed below 0.00001; gnomAD 0.00001.
gnomAD v4.1: 2 of 1,587,180 alleles (0.00013%); highest among the groups gnomAD compares: Non-Finnish European, 0.00017%; no homozygotes.

Submission:

Labcorp Genetics (formerly Invitae), Labcorp
Classification: Uncertain significance for Pityriasis rubra pilaris; Psoriasis 2. Last evaluated: 2023-06-16. Review status: criteria provided, single submitter. Criteria: Invitae Variant Classification Sherloc (09022015). Collection method: clinical testing. Allele origin: germline.
Comment: In summary, the available evidence is currently insufficient to determine the role of this variant in disease. Therefore, it has been classified as a Variant of Uncertain Significance. Advanced modeling of protein sequence and biophysical properties (such as structural, functional, and spatial information, amino acid conservation, physicochemical variation, residue mobility, and thermodynamic stability) performed at Invitae indicates that this missense variant is not expected to disrupt CARD14 protein function. This variant has not been reported in the literature in individuals affected with CARD14-related conditions. This variant is not present in population databases (gnomAD no frequency). This sequence change replaces glutamic acid, which is acidic and polar, with glycine, which is neutral and non-polar, at codon 158 of the CARD14 protein (p.Glu158Gly).